The following is an entry in ClinVar:

ClinVar aggregate classification (germline): Pathogenic/Likely pathogenic. Review status: criteria provided, multiple submitters, no conflicts (2 of 4 stars). 7 submissions from 7 submitters: Pathogenic (5); Likely pathogenic (1). 1 of the submissions does not count toward it. Last evaluated 2026-08-06.

Conditions:
Cardioacrofacial dysplasia 1. Identifiers: MedGen C5436885, MONDO:0030876, OMIM 619142.

Allele frequency attached by ClinVar (database versions not stated): ESP Exome Variant Server 0.00008.

Submissions (7):

OLLIN Analises Genomicas, OLLIN
Classification: Pathogenic for Cardioacrofacial dysplasia 1. Last evaluated: 2026-08-06. Review status: criteria provided, single submitter. Criteria: ACMG Guidelines 2015 PMID 25741868. Collection method: clinical testing. Allele origin: de novo.
Comment: This missense variant, located in exon 5 (of 10), is absent from gnomAD but has been reported in ClinVar (accession VCV000989460.8) and in the scientific literature, also being identified de novo and segregating with the phenotype, in individuals with PRKACA related disorders (PMID: 33058759, 33875766). In silico analysis is inconclusive regarding the impact of this variant. According to the currently available evidence, this variant has been classified as pathogenic (PS2, PM2_P, PP1_S, PP4).

Genomic Medicine Center of Excellence, King Faisal Specialist Hospital and Research Centre
Classification: Pathogenic for Cardioacrofacial dysplasia 1. Last evaluated: 2025-09-10. Review status: criteria provided, single submitter. Criteria: ACMG Guidelines, 2015. Collection method: clinical testing. Allele origin: germline.

3billion
Classification: Pathogenic for Cardioacrofacial dysplasia 1. Last evaluated: 2025-01-15. Review status: criteria provided, single submitter. Criteria: ACMG Guidelines, 2015. Collection method: clinical testing. Allele origin: germline. Affected: yes.
Comment: The variant is not observed in the gnomAD v4.1.0 dataset. Predicted Consequence/Location: Missense variant. Missense changes are a common disease-causing mechanism. Functional studies provide strong evidence of the variant having a damaging effect on the gene or gene product (PMID: 33058759). In silico tool predictions suggest damaging effect of the variant on gene or gene product [REVEL: 0.33 (>=0.6, sensitivity 0.68 and specificity 0.92); 3Cnet: 0.77 (>=0.6, sensitivity 0.72 and precision 0.9)]. The same nucleotide change resulting in the same amino acid change has been previously reported as pathogenic/likely pathogenic with strong evidence (ClinVar ID: VCV000989460 /PMID: 33058759 /3billion dataset). Therefore, this variant is classified as Pathogenic (PS1_S, PS2_S, PS3_S, PM2_M, PP2_P, PP3_P) according to the recommendation of ACMG/AMP guideline.

GeneDx
Classification: Pathogenic. Last evaluated: 2023-09-05. Review status: criteria provided, single submitter. Criteria: GeneDx Variant Classification Process June 2021. Collection method: clinical testing. Allele origin: germline.
Comment: Not observed at significant frequency in large population cohorts (gnomAD); In silico analysis supports that this missense variant has a deleterious effect on protein structure/function; This variant is associated with the following publications: (PMID: 33058759, 33875766, 37579995, 34582081, 36554045)

Kasturba Medical College, Manipal, Kasturba Medical College, Manipal, Manipal Academy of Higher Education, Manipal, India
Classification: Likely pathogenic for Cardioacrofacial dysplasia 1. Last evaluated: 2022-05-09. Review status: criteria provided, single submitter. Criteria: ACMG Guidelines, 2015. Collection method: clinical testing. Allele origin: germline. Affected: yes.

Sun Health (Beijing), Ltd.
Classification: Pathogenic for Cardioacrofacial dysplasia 1. Review status: criteria provided, single submitter. Criteria: ACMG Guidelines, 2015. Collection method: clinical testing. Allele origin: de novo. Affected: yes. Observed: 1 heterozygote.
Comment: PRKACA-related, atrial defects-polydactyly-multiple congenital malformation syndrome is a recently identified skeletal ciliopathy resulting from mutations in the PRKACA gene. Affected individuals typically exhibit a spectrum of congenital anomalies, including congenital heart defects, shortened limbs, polydactyly, and facial dysmorphism. To date, only five cases have been reported globally, all carrying the identical PRKACA variant, c.409G>A p.Gly137Arg.

OMIM
Classification: Pathogenic for CARDIOACROFACIAL DYSPLASIA 1. Last evaluated: 2020-12-28. Review status: no assertion criteria provided. Collection method: literature only. Allele origin: germline. Not counted in ClinVar's aggregate classification.

Literature cited by the submitters: PubMed 33058759 (cited by 3 submitters); PubMed 33875766 (cited by OLLIN Analises Genomicas, OLLIN); PubMed 33058795 (cited by Sun Health (Beijing), Ltd.).

NM_002730.4(PRKACA):c.409G>A (p.Gly137Arg)

Gene: PRKACA (protein kinase cAMP-activated catalytic subunit alpha; minus strand). Cytogenetic location: 19p13.12.
Variant type: single nucleotide variant.
Coding change: c.409G>A on transcript NM_002730.4 (MANE Select); coding-DNA position 409, G replaced by A.
Protein change: p.Gly137Arg; replaces glycine 137 with arginine.
Molecular consequence: missense variant.
Genome position (GRCh38, 1-based): chr19:14,100,836, C>T on the plus strand (G>A on the coding strand, the complement: PRKACA is on the minus strand). VCF-style: chr19-14100836-C-T. GRCh37 (hg19) VCF-style: chr19-14211648-C-T.
Other names: c.637G>A, p.Gly213Arg (NM_001304349.2); c.385G>A, p.Gly129Arg (NM_207518.3); c.409G>A (NM_002730.3); short protein forms G137R, G129R, G213R.
Identifiers: ClinVar variation 989460 (VCV000989460.10), dbSNP rs148280386, ClinGen allele CA305611058.